The following is an entry in ClinVar:

NM_000466.3(PEX1):c.3044A>C (p.Glu1015Ala)

Genes: GATAD1 (GATA zinc finger domain containing 1; plus strand), PEX1 (peroxisomal biogenesis factor 1; minus strand). Cytogenetic location: 7q21.2.
Variant type: single nucleotide variant.
Coding change: c.3044A>C on transcript NM_000466.3 (MANE Select); coding-DNA position 3044, A replaced by C.
Protein change: p.Glu1015Ala; replaces glutamic acid 1015 with alanine.
Molecular consequence: missense variant.
Genome position (GRCh38, 1-based): chr7:92,493,116, T>G on the plus strand (A>C on the coding strand, the complement: PEX1 is on the minus strand). VCF-style: chr7-92493116-T-G. GRCh37 (hg19) VCF-style: chr7-92122430-T-G.
Other names: c.2873A>C, p.Glu958Ala (NM_001282677.2); c.2420A>C, p.Glu807Ala (NM_001282678.2); short protein forms E1015A, E807A, E958A.
Identifiers: ClinVar variation 289972 (VCV000289972.22), dbSNP rs185181696, ClinGen allele CA4340908.

ClinVar aggregate classification (germline): Conflicting classifications of pathogenicity. Review status: criteria provided, conflicting classifications (1 of 4 stars). 9 submissions from 9 submitters: Uncertain significance (5); Likely benign (2). 2 of the submissions do not count toward it. Last evaluated 2026-01-18.

Conditions:
Zellweger spectrum disorders (ZS). Also called: Zellweger Spectrum Disorder; Zellweger Spectrum; Zellweger syndrome; Zellweger Spectrum Disorder (ZSD). Identifiers: Orphanet 912, MedGen C0043459, MONDO:0019609.
Inborn genetic diseases. Identifiers: MedGen C0950123, MeSH D030342.
PEX1-related disorder. Also called: PEX1-related condition.
Peroxisome biogenesis disorder 1B (PBD1B). Also called: Refsum disease, infantile form; Infantile Refsum disease; Infantile form of phytanic acid storage disease; PEROXISOME BIOGENESIS DISORDER (NALD/IRD); ADRENOLEUKODYSTROPHY, AUTOSOMAL NEONATAL; PEROXISOME BIOGENESIS DISORDER (NEONATAL ADRENOLEUKODYSTROPHY/INFANTILE REFSUM DISEASE). Identifiers: Orphanet 44, MedGen C0282527, MONDO:0011101, OMIM 601539.
Heimler syndrome 1 (HMLR1). Also called: PEROXISOME BIOGENESIS DISORDER 1C. Identifiers: Orphanet 3220, MedGen C4551980, OMIM 234580, MONDO:0024544.
Peroxisome biogenesis disorder 1A (Zellweger) (PBD1A). Also called: Zellweger leukodystrophy; Peroxisome biogenesis disorder 1a. Identifiers: MedGen C4721541, MONDO:0008953, OMIM 214100.

Allele frequency attached by ClinVar (database versions not stated): gnomAD exomes 0.00002 and 0.00006; ExAC 0.00007; 1000 Genomes Project 30x 0.00016; 1000 Genomes Project 0.00020; gnomAD 0.00025 and 0.00029; TOPMed 0.00028; ESP Exome Variant Server 0.00038.
gnomAD v4.1: 61 of 1,600,868 alleles (0.0038%); highest among the groups gnomAD compares: African/African-American, 0.08%; no homozygotes.

Submissions (9):

GeneDx
Classification: Uncertain significance. Last evaluated: 2026-01-18. Review status: criteria provided, single submitter. Criteria: GeneDx Variant Classification Process June 2021. Collection method: clinical testing. Allele origin: germline. Affected: yes.
Comment: In silico analysis supports that this missense variant has a deleterious effect on protein structure/function; Has not been previously published as pathogenic or benign to our knowledge

Labcorp Genetics (formerly Invitae), Labcorp
Classification: Likely benign for Zellweger spectrum disorders. Last evaluated: 2025-12-17. Review status: criteria provided, single submitter. Criteria: Invitae Variant Classification Sherloc (09022015). Collection method: clinical testing. Allele origin: germline.

Ambry Genetics
Classification: Uncertain significance for Inborn genetic diseases. Last evaluated: 2024-05-20. Review status: criteria provided, single submitter. Criteria: Ambry Variant Classification Scheme 2023. Collection method: clinical testing. Allele origin: germline.

Revvity Omics, Revvity
Classification: Uncertain significance. Last evaluated: 2023-10-13. Review status: criteria provided, single submitter. Criteria: ACMG Guidelines, 2015. Collection method: clinical testing. Allele origin: germline.

Blueprint Genetics
Classification: Likely benign. Last evaluated: 2022-10-05. Review status: criteria provided, single submitter. Criteria: ACMG Guidelines, 2015. Collection method: clinical testing. Allele origin: germline.

Fulgent Genetics
Classification: Uncertain significance for Peroxisome biogenesis disorder 1A (Zellweger); Heimler syndrome 1; Peroxisome biogenesis disorder 1B. Last evaluated: 2022-05-20. Review status: criteria provided, single submitter. Criteria: ACMG Guidelines, 2015. Collection method: clinical testing. Allele origin: unknown.

Eurofins Ntd Llc (ga)
Classification: Uncertain significance. Last evaluated: 2018-07-27. Review status: criteria provided, single submitter. Criteria: EGL ClinVar v180209 classification definitions. Collection method: clinical testing. Allele origin: germline. Observed: 2 variant alleles, 2 heterozygotes.

PreventionGenetics, part of Exact Sciences
Classification: Uncertain significance for PEX1-related condition. Last evaluated: 2024-08-10. Review status: no assertion criteria provided. Collection method: clinical testing. Allele origin: germline. Not counted in ClinVar's aggregate classification.
Comment: The PEX1 c.3044A>C variant is predicted to result in the amino acid substitution p.Glu1015Ala. To our knowledge, this variant has not been reported in the literature. This variant is reported in 0.084% of alleles in individuals of African descent in gnomAD. Although we suspect that this variant may be benign, at this time, the clinical significance of this variant is uncertain due to the absence of conclusive functional and genetic evidence.

Natera, Inc.
Classification: Uncertain significance for Zellweger syndrome. Last evaluated: 2018-04-30. Review status: no assertion criteria provided. Collection method: clinical testing. Allele origin: germline. Not counted in ClinVar's aggregate classification.